The following is an entry in ClinVar:

ClinVar aggregate classification (germline): Uncertain significance (1 of 4 stars; one submission).

gnomAD v4.1: 2 of 1,613,014 alleles (0.00012%); highest among the groups gnomAD compares: Non-Finnish European, 0.00017%; no homozygotes.

Submission:

Labcorp Genetics (formerly Invitae), Labcorp
Classification: Uncertain significance. Last evaluated: 2025-05-11. Review status: criteria provided, single submitter. Criteria: Invitae Variant Classification Sherloc (09022015). Collection method: clinical testing. Allele origin: germline.
Comment: This sequence change replaces leucine, which is neutral and non-polar, with phenylalanine, which is neutral and non-polar, at codon 1048 of the COL18A1 protein (p.Leu1048Phe). This variant is not present in population databases (gnomAD no frequency). This variant has not been reported in the literature in individuals affected with COL18A1-related conditions. Experimental studies and prediction algorithms are not available or were not evaluated, and the functional significance of this variant is currently unknown. In summary, the available evidence is currently insufficient to determine the role of this variant in disease. Therefore, it has been classified as a Variant of Uncertain Significance.

NM_001379500.1(COL18A1):c.3151C>T (p.Leu1051Phe)

Genes: COL18A1 (collagen type XVIII alpha 1 chain; plus strand), SLC19A1 (solute carrier family 19 member 1; minus strand). Cytogenetic location: 21q22.3.
Variant type: single nucleotide variant.
Coding change: c.3151C>T on transcript NM_001379500.1 (MANE Select); coding-DNA position 3151, C replaced by T.
Protein change: p.Leu1051Phe; replaces leucine 1051 with phenylalanine.
Molecular consequence: missense variant.
Genome position (GRCh38, 1-based): chr21:45,505,901, C>T. VCF-style: chr21-45505901-C-T. GRCh37 (hg19) VCF-style: chr21-46925815-C-T.
Other names: c.3682C>T, p.Leu1228Phe (NM_030582.4); c.4387C>T, p.Leu1463Phe (NM_130444.3); short protein forms L1228F, L1463F, L1051F.
Identifiers: ClinVar variation 4719320 (VCV004719320.1).